The following is an entry in ClinVar:

ClinVar aggregate classification (germline): Uncertain significance (1 of 4 stars; one submission).

Conditions:
Hereditary cancer-predisposing syndrome. Also called: Hereditary neoplastic syndrome; Neoplastic Syndromes, Hereditary; Tumor predisposition; Hereditary Cancer Syndrome. Identifiers: Orphanet 140162, MedGen C0027672, MeSH D009386, MONDO:0015356.

Submission:

Ambry Genetics
Classification: Uncertain significance for Hereditary cancer-predisposing syndrome. Last evaluated: 2025-07-06. Review status: criteria provided, single submitter. Criteria: Ambry Variant Classification Scheme 2023. Collection method: clinical testing. Allele origin: germline.
Comment: The p.C2092S variant (also known as c.6275G>C), located in coding exon 42 of the ATM gene, results from a G to C substitution at nucleotide position 6275. The cysteine at codon 2092 is replaced by serine, an amino acid with dissimilar properties. This amino acid position is conserved. In addition, this alteration is predicted to be tolerated by in silico analysis. Since supporting evidence is limited at this time, the clinical significance of this alteration remains unclear.

NM_000051.4(ATM):c.6275G>C (p.Cys2092Ser)

Genes: C11orf65 (chromosome 11 open reading frame 65; minus strand), ATM (ATM serine/threonine kinase; plus strand). Cytogenetic location: 11q22.3.
Variant type: single nucleotide variant.
Coding change: c.6275G>C on transcript NM_000051.4 (MANE Select); coding-DNA position 6275, G replaced by C.
Protein change: p.Cys2092Ser; replaces cysteine 2092 with serine.
Molecular consequence: missense variant. On other transcripts: intron variant (2).
Genome position (GRCh38, 1-based): chr11:108,317,449, G>C. VCF-style: chr11-108317449-G-C. GRCh37 (hg19) VCF-style: chr11-108188176-G-C.
Other names: c.6275G>C, p.Cys2092Ser (NM_001351834.2); c.641-8378C>G (NM_001330368.2); c.*39-8378C>G (NM_001351110.2); short protein forms C2092S.
Identifiers: ClinVar variation 1752561 (VCV001752561.3), dbSNP rs2136166660, ClinGen allele CA382551975.